The following is an entry in ClinVar:

ClinVar aggregate classification (germline): Likely benign (1 of 4 stars; one submission).

Submission:

GeneDx
Classification: Likely benign. Last evaluated: 2017-10-05. Review status: criteria provided, single submitter. Criteria: GeneDx Variant Classification (06012015). Collection method: clinical testing. Allele origin: germline. Affected: yes.
Comment: This variant is considered likely benign or benign based on one or more of the following criteria: it is a conservative change, it occurs at a poorly conserved position in the protein, it is predicted to be benign by multiple in silico algorithms, and/or has population frequency not consistent with disease.

NM_000053.4(ATP7B):c.1947-15G>T

Gene: ATP7B (ATPase copper transporting beta; minus strand). Cytogenetic location: 13q14.3.
Variant type: single nucleotide variant.
Coding change: c.1947-15G>T on transcript NM_000053.4 (MANE Select); 15 bases into the intron before coding-DNA position 1947, G replaced by T.
Molecular consequence: intron variant.
Genome position (GRCh38, 1-based): chr13:51,960,337, C>A on the plus strand (G>T on the coding strand, the complement: ATP7B is on the minus strand). VCF-style: chr13-51960337-C-A. GRCh37 (hg19) VCF-style: chr13-52534473-C-A.
Other names: c.1614-15G>T (NM_001243182.2); c.1870-2730G>T (NM_001005918.3); c.1870-1793G>T (NM_001330579.2); c.1947-15G>T (NM_001330578.2).
Identifiers: ClinVar variation 512094 (VCV000512094.1), dbSNP rs1555291926, ClinGen allele CA658798150.